The following is an entry in ClinVar:

ClinVar aggregate classification (germline): Benign/Likely benign. Review status: criteria provided, multiple submitters, no conflicts (2 of 4 stars). 6 submissions from 6 submitters: Benign (4); Likely benign (1). 1 of the submissions does not count toward it. Last evaluated 2025-07-10.

Conditions:
Seckel syndrome 1 (SCKL1). Also called: MICROCEPHALIC PRIMORDIAL DWARFISM I. Identifiers: Orphanet 808, MedGen C4551474, MONDO:0008869, OMIM 210600.
Familial cutaneous telangiectasia and oropharyngeal predisposition cancer syndrome. Identifiers: Orphanet 313846, MedGen C3281203, MONDO:0013806, OMIM 614564.
Hereditary cancer-predisposing syndrome. Also called: Hereditary neoplastic syndrome; Tumor predisposition; Neoplastic Syndromes, Hereditary; Hereditary Cancer Syndrome. Identifiers: Orphanet 140162, MedGen C0027672, MeSH D009386, MONDO:0015356.

Allele frequency attached by ClinVar (database versions not stated): ESP Exome Variant Server 0.61402; gnomAD 0.66679.
gnomAD v4.1: 304,813 of 522,086 alleles (58%); highest among the groups gnomAD compares: African/African-American, 82%; 99,453 homozygotes.

Submissions (6):

GeneKor MSA
Classification: Benign for Hereditary cancer-predisposing syndrome. Last evaluated: 2025-07-10. Review status: criteria provided, single submitter. Criteria: ACMG Guidelines, 2015. Collection method: clinical testing. Allele origin: germline.

KCCC/NGS Laboratory, Kuwait Cancer Control Center
Classification: Likely benign for Familial cutaneous telangiectasia and oropharyngeal predisposition cancer syndrome. Last evaluated: 2023-07-07. Review status: criteria provided, single submitter. Criteria: ACMG Guidelines, 2015. Collection method: clinical testing. Allele origin: germline. Affected: yes.

Genome-Nilou Lab
Classification: Benign for Seckel syndrome 1. Last evaluated: 2021-07-14. Review status: criteria provided, single submitter. Criteria: ACMG Guidelines, 2015. Collection method: clinical testing. Allele origin: germline. Affected: no.

GeneDx
Classification: Benign. Last evaluated: 2019-08-13. Review status: criteria provided, single submitter. Criteria: GeneDx Variant Classification Process June 2021. Collection method: clinical testing. Allele origin: germline. Affected: yes.

Breakthrough Genomics
Classification: Benign. Review status: criteria provided, single submitter. Criteria: ACMG Guidelines, 2015. Collection method: not provided. Allele origin: germline. Inheritance: Autosomal recessive inheritance. Affected: yes.

Genetic Services Laboratory, University of Chicago
Classification: Likely benign. Review status: no assertion criteria provided. Collection method: clinical testing. Allele origin: germline. Inheritance: Autosomal recessive inheritance. Not counted in ClinVar's aggregate classification.
Comment: Likely benign based on allele frequency in 1000 Genomes Project or ESP global frequency and its presence in a patient with a rare or unrelated disease phenotype. NOT Sanger confirmed

NM_001184.4(ATR):c.5898+25T>G

Gene: ATR (ATR checkpoint kinase; minus strand). Cytogenetic location: 3q23.
Variant type: single nucleotide variant.
Coding change: c.5898+25T>G on transcript NM_001184.4 (MANE Select); 25 bases into the intron after coding-DNA position 5898, T replaced by G.
Molecular consequence: intron variant.
Genome position (GRCh38, 1-based): chr3:142,496,336, A>C on the plus strand (T>G on the coding strand, the complement: ATR is on the minus strand). VCF-style: chr3-142496336-A-C. GRCh37 (hg19) VCF-style: chr3-142215178-A-C.
Other names: c.5706+25T>G (NM_001354579.2).
Identifiers: ClinVar variation 157997 (VCV000157997.14), dbSNP rs7620648, ClinGen allele CA171374.